The following is an entry in ClinVar:

NM_000492.4(CFTR):c.3113A>G (p.Gln1038Arg)

Genes: CFTR (CF transmembrane conductance regulator; plus strand), CFTR-AS2 (CFTR antisense RNA 2; minus strand), LOC111674472 (DNase I hypersensitive sites in introns 16 and 17a of CFTR; plus strand). Cytogenetic location: 7q31.2.
Variant type: single nucleotide variant.
Coding change: c.3113A>G on transcript NM_000492.4 (MANE Select); coding-DNA position 3113, A replaced by G.
Protein change: p.Gln1038Arg; replaces glutamine 1038 with arginine.
Molecular consequence: missense variant.
Genome position (GRCh38, 1-based): chr7:117,610,643, A>G. VCF-style: chr7-117610643-A-G. GRCh37 (hg19) VCF-style: chr7-117250697-A-G.
Other names: short protein forms Q1038R.
Identifiers: ClinVar variation 3231877 (VCV003231877.1), dbSNP rs2485129130, ClinGen allele CA368990809.

ClinVar aggregate classification (germline): Uncertain significance (1 of 4 stars; one submission).

Conditions:
Cystic fibrosis (CF). Also called: MUCOVISCIDOSIS. Identifiers: Orphanet 586, MedGen C0010674, MONDO:0009061, OMIM 219700. Disease mechanism: loss of function.

Submission:

Ambry Genetics
Classification: Uncertain significance for Cystic fibrosis. Last evaluated: 2024-01-05. Review status: criteria provided, single submitter. Criteria: Ambry Variant Classification Scheme 2023. Collection method: clinical testing. Allele origin: germline.
Comment: The p.Q1038R variant (also known as c.3113A>G), located in coding exon 19 of the CFTR gene, results from an A to G substitution at nucleotide position 3113. The glutamine at codon 1038 is replaced by arginine, an amino acid with highly similar properties. This amino acid position is highly conserved in available vertebrate species. In addition, the in silico prediction for this alteration is inconclusive. Since supporting evidence is limited at this time, the clinical significance of this alteration remains unclear.